The following is an entry in ClinVar:

NM_032444.4(SLX4):c.3715T>C (p.Cys1239Arg)

Gene: SLX4 (SLX4 structure-specific endonuclease subunit; minus strand). Cytogenetic location: 16p13.3.
Variant type: single nucleotide variant.
Coding change: c.3715T>C on transcript NM_032444.4 (MANE Select); coding-DNA position 3715, T replaced by C.
Protein change: p.Cys1239Arg; replaces cysteine 1239 with arginine.
Molecular consequence: missense variant.
Genome position (GRCh38, 1-based): chr16:3,589,923, A>G on the plus strand (T>C on the coding strand, the complement: SLX4 is on the minus strand). VCF-style: chr16-3589923-A-G. GRCh37 (hg19) VCF-style: chr16-3639924-A-G.
Other names: short protein forms C1239R.
Identifiers: ClinVar variation 1413942 (VCV001413942.8), dbSNP rs2151122998, ClinGen allele CA394519553.

ClinVar aggregate classification (germline): Uncertain significance (1 of 4 stars; one submission).

Conditions:
Fanconi anemia (FA). Also called: Fanconi's anemia. Identifiers: Orphanet 84, MedGen C0015625, MeSH D005199, MONDO:0019391.

Submission:

Labcorp Genetics (formerly Invitae), Labcorp
Classification: Uncertain significance for Fanconi anemia. Last evaluated: 2021-01-08. Review status: criteria provided, single submitter. Criteria: Invitae Variant Classification Sherloc (09022015). Collection method: clinical testing. Allele origin: germline.
Comment: In summary, the available evidence is currently insufficient to determine the role of this variant in disease. Therefore, it has been classified as a Variant of Uncertain Significance. Algorithms developed to predict the effect of missense changes on protein structure and function output the following: SIFT: "Tolerated"; PolyPhen-2: "Benign"; Align-GVGD: "Class C0". The arginine amino acid residue is found in multiple mammalian species, suggesting that this missense change does not adversely affect protein function. These predictions have not been confirmed by published functional studies and their clinical significance is uncertain. This variant has not been reported in the literature in individuals with SLX4-related conditions. This variant is not present in population databases (ExAC no frequency). This sequence change replaces cysteine with arginine at codon 1239 of the SLX4 protein (p.Cys1239Arg). The cysteine residue is moderately conserved and there is a large physicochemical difference between cysteine and arginine.